The following is an entry in ClinVar:

ClinVar aggregate classification (germline): Uncertain significance (1 of 4 stars; one submission).

Conditions:
Hereditary breast ovarian cancer syndrome. Also called: BRCA1- and BRCA2-Associated Hereditary Breast and Ovarian Cancer; Hereditary breast and ovarian cancer; Hereditary breast and ovarian cancer syndrome; Breast and ovarian cancer; Hereditary breast and/or ovarian cancer syndrome; Hereditary breast and ovarian cancer syndrome (HBOC). Identifiers: Orphanet 145, MedGen C0677776, MeSH D061325, MONDO:0003582. Disease mechanism: loss of function.

Submission:

Labcorp Genetics (formerly Invitae), Labcorp
Classification: Uncertain significance for Hereditary breast ovarian cancer syndrome. Last evaluated: 2022-11-01. Review status: criteria provided, single submitter. Criteria: Invitae Variant Classification Sherloc (09022015). Collection method: clinical testing. Allele origin: germline.
Comment: This sequence change replaces isoleucine, which is neutral and non-polar, with serine, which is neutral and polar, at codon 1529 of the BRCA1 protein (p.Ile1529Ser). This variant is not present in population databases (gnomAD no frequency). This variant has not been reported in the literature in individuals affected with BRCA1-related conditions. ClinVar contains an entry for this variant (Variation ID: 1009406). Advanced modeling of protein sequence and biophysical properties (such as structural, functional, and spatial information, amino acid conservation, physicochemical variation, residue mobility, and thermodynamic stability) performed at Invitae indicates that this missense variant is not expected to disrupt BRCA1 protein function. In summary, the available evidence is currently insufficient to determine the role of this variant in disease. Therefore, it has been classified as a Variant of Uncertain Significance.

NM_007294.4(BRCA1):c.4586T>G (p.Ile1529Ser)

Gene: BRCA1 (BRCA1 DNA repair associated; minus strand). Cytogenetic location: 17q21.31.
Variant type: single nucleotide variant.
Coding change: c.4586T>G on transcript NM_007294.4 (MANE Select); coding-DNA position 4586, T replaced by G.
Protein change: p.Ile1529Ser; replaces isoleucine 1529 with serine.
Molecular consequence: missense variant. On other transcripts: non-coding transcript variant (1).
Genome position (GRCh38, 1-based): chr17:43,074,420, A>C on the plus strand (T>G on the coding strand, the complement: BRCA1 is on the minus strand). VCF-style: chr17-43074420-A-C. GRCh37 (hg19) VCF-style: chr17-41226437-A-C.
Other names: c.4379T>G, p.Ile1460Ser (NM_001407875.1, NM_001407874.1); c.4376T>G, p.Ile1459Ser (NM_001407879.1, NM_001407881.1, NM_001407882.1 and 5 more transcripts); c.4373T>G, p.Ile1458Ser (NM_001407894.1, NM_001407895.1, NM_001407896.1 and 12 more transcripts); c.4370T>G, p.Ile1457Ser (NM_001407918.1, NM_001407915.1, NM_001407916.1 and 1 more transcripts); c.4463T>G, p.Ile1488Ser (NM_001407919.1, NM_001407937.1, NM_001407938.1 and 6 more transcripts); c.4322T>G, p.Ile1441Ser (NM_001407920.1, NM_001407925.1, NM_001407921.1 and 4 more transcripts); c.4319T>G, p.Ile1440Ser (NM_001407927.1, NM_001407928.1, NM_001407929.1 and 4 more transcripts); c.4583T>G, p.Ile1528Ser (NM_001407859.1, NM_001407860.1, NM_001407610.1 and 17 more transcripts); and 68 more; short protein forms I1482S, I1529S, I1550S, I425S, I1232S, I1401S, I1416S, I1440S.
Identifiers: ClinVar variation 1009406 (VCV001009406.11), dbSNP rs1597836187, ClinGen allele CA10592339.
Genomic context (GRCh38, chr17:43,074,420, plus strand): 5'-TCCGTCAAATCGTGTGGCCCAGACTCTTCCAGCTGTTGCTCCTCCACATCAACAACCTTA[A>C]TGAGCTCCTCTTGAGATGGGTAGTTTCTATTCTGAAGACTCCCAGAGCAACTGTGCATGT-3'
Protein context (NP_009225.1, residues 1519-1539): NRNYPSQEEL[Ile1529Ser]KVVDVEEQQL